The following is an entry in ClinVar:

NM_001038603.3(MARVELD2):c.28C>A (p.Arg10=)

Gene: MARVELD2 (MARVEL domain containing 2; plus strand). Cytogenetic location: 5q13.2.
Variant type: single nucleotide variant.
Coding change: c.28C>A on transcript NM_001038603.3 (MANE Select); coding-DNA position 28, C replaced by A.
Protein change: p.Arg10=; no amino-acid change (arginine 10 retained).
Molecular consequence: synonymous variant.
Genome position (GRCh38, 1-based): chr5:69,419,413, C>A. VCF-style: chr5-69419413-C-A. GRCh37 (hg19) VCF-style: chr5-68715240-C-A.
Other names: c.28C>A, p.Arg10= (NM_001244734.2).
Identifiers: ClinVar variation 4075484 (VCV004075484.1).

ClinVar aggregate classification (germline): Uncertain significance (1 of 4 stars; one submission).

gnomAD v4.1: 4 of 1,614,006 alleles (0.00025%); highest among the groups gnomAD compares: Admixed American, 0.0067%; no homozygotes.

Submission:

GeneDx
Classification: Uncertain significance. Last evaluated: 2025-02-13. Review status: criteria provided, single submitter. Criteria: GeneDx Variant Classification Process June 2021. Collection method: clinical testing. Allele origin: germline. Affected: yes.
Comment: Not observed at a significant frequency in large population cohorts (gnomAD); In silico analysis indicates that this variant does not alter splicing; Has not been previously published as pathogenic or benign to our knowledge